The following is an entry in ClinVar:

NM_139027.6(ADAMTS13):c.2518G>T (p.Ala840Ser)

Gene: ADAMTS13 (ADAM metallopeptidase with thrombospondin type 1 motif 13; plus strand). Cytogenetic location: 9q34.2.
Variant type: single nucleotide variant.
Coding change: c.2518G>T on transcript NM_139027.6 (MANE Select); coding-DNA position 2518, G replaced by T.
Protein change: p.Ala840Ser; replaces alanine 840 with serine.
Molecular consequence: missense variant. On other transcripts: non-coding transcript variant (1).
Genome position (GRCh38, 1-based): chr9:133,444,960, G>T. VCF-style: chr9-133444960-G-T. GRCh37 (hg19) VCF-style: chr9-136310081-G-T.
Other names: c.2518G>T, p.Ala840Ser (NM_139025.5); c.2425G>T, p.Ala809Ser (NM_139026.6); short protein forms A840S, A809S.
Identifiers: ClinVar variation 4693945 (VCV004693945.1).
Genomic context (GRCh38, chr9:133,444,960, plus strand): 5'-GGTGGAGCAGGCCTGGCCTTGGAGAACGAGACCTGTGTGCCAGGGGCAGATGGCCTGGAG[G>T]CTCCAGTGACTGAGGGGCCTGGCTCCGTAGATGAGAAGCTGCCTGCCCCTGAGCCCTGTG-3'
Protein context (NP_620596.2, residues 830-850): TCVPGADGLE[Ala840Ser]PVTEGPGSVD

ClinVar aggregate classification (germline): Uncertain significance (1 of 4 stars; one submission).

gnomAD v4.1: 2 of 1,613,524 alleles (0.00012%); highest among the groups gnomAD compares: Non-Finnish European, 0.00017%; no homozygotes.

Submission:

Labcorp Genetics (formerly Invitae), Labcorp
Classification: Uncertain significance. Last evaluated: 2025-08-14. Review status: criteria provided, single submitter. Criteria: Invitae Variant Classification Sherloc (09022015). Collection method: clinical testing. Allele origin: germline.
Comment: This sequence change replaces alanine, which is neutral and non-polar, with serine, which is neutral and polar, at codon 840 of the ADAMTS13 protein (p.Ala840Ser). This variant is present in population databases (rs781842149, gnomAD 0.0009%). This variant has not been reported in the literature in individuals affected with ADAMTS13-related conditions. An algorithm developed to predict the effect of missense changes on protein structure and function outputs the following: PolyPhen-2: "Benign". The serine amino acid residue is found in multiple mammalian species, which suggests that this missense change does not adversely affect protein function. In summary, the available evidence is currently insufficient to determine the role of this variant in disease. Therefore, it has been classified as a Variant of Uncertain Significance.